The following is an entry in ClinVar:

ClinVar aggregate classification (germline): Uncertain significance (1 of 4 stars; one submission).

Submission:

Labcorp Genetics (formerly Invitae), Labcorp
Classification: Uncertain significance. Last evaluated: 2025-04-11. Review status: criteria provided, single submitter. Criteria: Invitae Variant Classification Sherloc (09022015). Collection method: clinical testing. Allele origin: germline.
Comment: This sequence change replaces phenylalanine, which is neutral and non-polar, with leucine, which is neutral and non-polar, at codon 286 of the TBX20 protein (p.Phe286Leu). This variant is not present in population databases (gnomAD no frequency). This variant has not been reported in the literature in individuals affected with TBX20-related conditions. Invitae Evidence Modeling of protein sequence and biophysical properties (such as structural, functional, and spatial information, amino acid conservation, physicochemical variation, residue mobility, and thermodynamic stability) indicates that this missense variant is expected to disrupt TBX20 protein function with a positive predictive value of 80%. In summary, the available evidence is currently insufficient to determine the role of this variant in disease. Therefore, it has been classified as a Variant of Uncertain Significance.

NM_001077653.2(TBX20):c.856T>C (p.Phe286Leu)

Gene: TBX20 (T-box transcription factor 20; minus strand). Cytogenetic location: 7p14.2.
Variant type: single nucleotide variant.
Coding change: c.856T>C on transcript NM_001077653.2 (MANE Select); coding-DNA position 856, T replaced by C.
Protein change: p.Phe286Leu; replaces phenylalanine 286 with leucine.
Molecular consequence: missense variant.
Genome position (GRCh38, 1-based): chr7:35,231,538, A>G on the plus strand (T>C on the coding strand, the complement: TBX20 is on the minus strand). VCF-style: chr7-35231538-A-G. GRCh37 (hg19) VCF-style: chr7-35271150-A-G.
Other names: c.856T>C, p.Phe286Leu (NM_001166220.1); short protein forms F286L.
Identifiers: ClinVar variation 4772018 (VCV004772018.1).